The following is an entry in ClinVar:

NM_001308093.3(GATA4):c.611A>G (p.Asn204Ser)

Gene: GATA4 (GATA binding protein 4). Cytogenetic location: 8p23.1.
Variant type: single nucleotide variant.
Coding change: c.611A>G on transcript NM_001308093.3 (MANE Select); coding-DNA position 611, A replaced by G.
Protein change: p.Asn204Ser; replaces asparagine 204 with serine.
Molecular consequence: missense variant. On other transcripts: intron variant (3).
Genome position (GRCh38, 1-based): chr8:11,708,923, A>G. VCF-style: chr8-11708923-A-G. GRCh37 (hg19) VCF-style: chr8-11566432-A-G.
Other names: c.611A>G, p.Asn204Ser (NM_002052.5); c.-6+8145A>G (NM_001308094.2); c.-3+909A>G (NM_001374274.1); c.-3+4619A>G (NM_001374273.1); short protein forms N204S.
Identifiers: ClinVar variation 972220 (VCV000972220.9), dbSNP rs562967066, ClinGen allele CA172075079.

ClinVar aggregate classification (germline): Conflicting classifications of pathogenicity. Review status: criteria provided, conflicting classifications (1 of 4 stars). 3 submissions from 3 submitters: Uncertain significance (2); Likely benign (1). Last evaluated 2026-05-12.

Conditions:
Atrioventricular septal defect 4 (AVSD4). Identifiers: MedGen C3280781, MONDO:0013747, OMIM 614430.

Allele frequency attached by ClinVar (database versions not stated): gnomAD exomes 0.00006; TOPMed 0.00006; 1000 Genomes Project 0.00020; 1000 Genomes Project 30x 0.00031.
gnomAD v4.1: 73 of 1,524,714 alleles (0.0048%); highest among the groups gnomAD compares: South Asian, 0.017%; no homozygotes.

Submissions (3):

GeneDx
Classification: Uncertain significance. Last evaluated: 2026-05-12. Review status: criteria provided, single submitter. Criteria: GeneDx Variant Classification Process June 2021. Collection method: clinical testing. Allele origin: germline.
Comment: In silico analysis suggests that this missense variant does not alter protein structure/function; Has not been previously published as pathogenic or benign to our knowledge

Labcorp Genetics (formerly Invitae), Labcorp
Classification: Uncertain significance for Atrioventricular septal defect 4. Last evaluated: 2025-12-02. Review status: criteria provided, single submitter. Criteria: Invitae Variant Classification Sherloc (09022015). Collection method: clinical testing. Allele origin: germline.
Comment: This sequence change replaces asparagine, which is neutral and polar, with serine, which is neutral and polar, at codon 204 of the GATA4 protein (p.Asn204Ser). This variant is present in population databases (rs562967066, gnomAD 0.01%). This variant has not been reported in the literature in individuals affected with GATA4-related conditions. ClinVar contains an entry for this variant (Variation ID: 972220). Invitae Evidence Modeling of protein sequence and biophysical properties (such as structural, functional, and spatial information, amino acid conservation, physicochemical variation, residue mobility, and thermodynamic stability) indicates that this missense variant is not expected to disrupt GATA4 protein function with a negative predictive value of 95%. In summary, the available evidence is currently insufficient to determine the role of this variant in disease. Therefore, it has been classified as a Variant of Uncertain Significance.

Blueprint Genetics
Classification: Likely benign. Last evaluated: 2023-11-21. Review status: criteria provided, single submitter. Criteria: ACMG Guidelines, 2015. Collection method: clinical testing. Allele origin: germline.